The following is an entry in ClinVar:

NM_000535.7(PMS2):c.904-13G>A

Gene: PMS2 (PMS1 homolog 2, mismatch repair system component; minus strand). Cytogenetic location: 7p22.1.
Variant type: single nucleotide variant.
Coding change: c.904-13G>A on transcript NM_000535.7 (MANE Select); 13 bases into the intron before coding-DNA position 904, G replaced by A.
Molecular consequence: intron variant.
Genome position (GRCh38, 1-based): chr7:5,992,070, C>T on the plus strand (G>A on the coding strand, the complement: PMS2 is on the minus strand). VCF-style: chr7-5992070-C-T. GRCh37 (hg19) VCF-style: chr7-6031701-C-T.
Other names: c.586-13G>A (NM_001322008.2, NM_001406902.1, NM_001406883.1 and 4 more transcripts); c.595-13G>A (NM_001406881.1, NM_001406879.1, NM_001322015.2 and 6 more transcripts); c.499-13G>A (NM_001406895.1, NM_001322010.2, NM_001322004.2 and 19 more transcripts); c.133-13G>A (NM_001406911.1); c.391-13G>A (NM_001406904.1, NM_001406905.1); c.331-13G>A (NM_001322013.2, NM_001406909.1); c.-30-13G>A (NM_001322012.2, NM_001322011.2); c.568-13G>A (NM_001406885.1); and 8 more.
Identifiers: ClinVar variation 3903553 (VCV003903553.1).

ClinVar aggregate classification (germline): Likely benign (1 of 4 stars; one submission).

Conditions:
Lynch syndrome 4 (LYNCH4). Also called: Colorectal cancer, hereditary nonpolyposis, type 4; Hereditary non-polyposis colorectal cancer, type 4. Identifiers: Orphanet 144, MedGen C1838333, MONDO:0013699, OMIM 614337. Disease mechanism: loss of function.

Submission:

Myriad Genetics, Inc.
Classification: Likely benign for Lynch syndrome 4. Last evaluated: 2025-01-29. Review status: criteria provided, single submitter. Criteria: Myriad Autosomal Dominant, Autosomal Recessive and X-Linked Classification Criteria (2023). Collection method: clinical testing. Allele origin: unknown.
Comment: This variant is considered likely benign. This variant is intronic and is not expected to impact mRNA splicing.